The following is an entry in ClinVar:

ClinVar aggregate classification (germline): Conflicting classifications of pathogenicity. Review status: criteria provided, conflicting classifications (1 of 4 stars). 4 submissions from 3 submitters: Uncertain significance (1); Benign (1); Likely benign (2). Last evaluated 2019-12-31.

Conditions:
Ovarian dysgenesis 1 (ODG1). Also called: GONADAL DYSGENESIS, XX TYPE; OVARIAN DYSGENESIS, HYPERGONADOTROPIC, AUTOSOMAL RECESSIVE; OVARIAN DYSGENESIS, HYPERGONADOTROPIC, WITH NORMAL KARYOTYPE; OVARIAN FAILURE, HYPERGONADOTROPIC; Gonadal dysgenesis XX type deafness. Identifiers: Orphanet 243, MedGen C0949595, MONDO:0024463, OMIM 233300.
Ovarian hyperstimulation syndrome (OHSS). Also called: OVARIAN HYPERSTIMULATION SYNDROME, FAMILIAL GESTATIONAL SPONTANEOUS. Identifiers: Orphanet 64739, MedGen C0085083, MONDO:0011972, OMIM 608115.

Allele frequency attached by ClinVar (database versions not stated): gnomAD 0.00034 and 0.00052; TOPMed 0.00046; gnomAD exomes 0.00050 and 0.00105; ExAC 0.00093; 1000 Genomes Project 30x 0.00265; 1000 Genomes Project 0.00319.
gnomAD v4.1: 804 of 1,612,820 alleles (0.05%); highest among the groups gnomAD compares: East Asian, 1.7%; 10 homozygotes.

Submissions (4):

Labcorp Genetics (formerly Invitae), Labcorp
Classification: Benign. Last evaluated: 2019-12-31. Review status: criteria provided, single submitter. Criteria: Invitae Variant Classification Sherloc (09022015). Collection method: clinical testing. Allele origin: germline.

Illumina Laboratory Services, Illumina
Classification: Uncertain significance for Ovarian dysgenesis 1. Last evaluated: 2018-01-13. Review status: criteria provided, single submitter. Criteria: ICSL Variant Classification Criteria 13 December 2019. Collection method: clinical testing. Allele origin: germline.

Illumina Laboratory Services, Illumina
Classification: Likely benign for Ovarian hyperstimulation syndrome. Last evaluated: 2018-01-13. Review status: criteria provided, single submitter. Criteria: ICSL Variant Classification Criteria 13 December 2019. Collection method: clinical testing. Allele origin: germline.
Comment: This variant was observed in the ICSL laboratory as part of a predisposition screen in an ostensibly healthy population. It had not been previously curated by ICSL or reported in the Human Gene Mutation Database (HGMD: prior to June 1st, 2018), and was therefore a candidate for classification through an automated scoring system. Utilizing variant allele frequency, disease prevalence and penetrance estimates, and inheritance mode, an automated score was calculated to assess if this variant is too frequent to cause the disease. Based on the score and internal cut-off values, a variant classified as likely benign is not then subjected to further curation. The score for this variant resulted in a classification of likely benign for this disease.

PreventionGenetics, part of Exact Sciences
Classification: Likely benign. Review status: criteria provided, single submitter. Criteria: ACMG Guidelines, 2015. Collection method: clinical testing. Allele origin: germline.

NM_000145.4(FSHR):c.24G>T (p.Leu8Phe)

Gene: FSHR (follicle stimulating hormone receptor; minus strand). Cytogenetic location: 2p16.3.
Variant type: single nucleotide variant.
Coding change: c.24G>T on transcript NM_000145.4 (MANE Select); coding-DNA position 24, G replaced by T.
Protein change: p.Leu8Phe; replaces leucine 8 with phenylalanine.
Molecular consequence: missense variant.
Genome position (GRCh38, 1-based): chr2:49,154,394, C>A on the plus strand (G>T on the coding strand, the complement: FSHR is on the minus strand). VCF-style: chr2-49154394-C-A. GRCh37 (hg19) VCF-style: chr2-49381533-C-A.
Other names: c.24G>T, p.Leu8Phe (NM_181446.3); short protein forms L8F.
Identifiers: ClinVar variation 255348 (VCV000255348.10), dbSNP rs115030945, ClinGen allele CA1654157.